The following is an entry in ClinVar:

ClinVar aggregate classification (germline): Likely benign. Review status: criteria provided, multiple submitters, no conflicts (2 of 4 stars). 5 submissions from 5 submitters: Likely benign (3). 2 of the submissions do not count toward it. Last evaluated 2026-01-05.

Conditions:
DNAI2-related disorder. Also called: DNAI2-related condition.
Primary ciliary dyskinesia. Also called: Ciliary dyskinesia. Identifiers: Orphanet 244, MedGen C0008780, MONDO:0016575, HP:0012265.

Allele frequency attached by ClinVar (database versions not stated): gnomAD 0.00007 and 0.00016; TOPMed 0.00011; gnomAD exomes 0.00012; ExAC 0.00014; 1000 Genomes Project 0.00140; 1000 Genomes Project 30x 0.00156.
gnomAD v4.1: 124 of 1,614,116 alleles (0.0077%); highest among the groups gnomAD compares: East Asian, 0.091%; no homozygotes.

Submissions (5):

Labcorp Genetics (formerly Invitae), Labcorp
Classification: Likely benign for Primary ciliary dyskinesia. Last evaluated: 2026-01-05. Review status: criteria provided, single submitter. Criteria: Invitae Variant Classification Sherloc (09022015). Collection method: clinical testing. Allele origin: germline.

Blueprint Genetics
Classification: Likely benign. Last evaluated: 2024-10-23. Review status: criteria provided, single submitter. Criteria: ACMG Guidelines, 2015. Collection method: clinical testing. Allele origin: germline.

Ambry Genetics
Classification: Likely benign for Primary ciliary dyskinesia. Last evaluated: 2020-08-14. Review status: criteria provided, single submitter. Criteria: Ambry Variant Classification Scheme 2023. Collection method: clinical testing. Allele origin: germline.

Natera, Inc.
Classification: Likely benign for Primary ciliary dyskinesia. Last evaluated: 2020-06-17. Review status: no assertion criteria provided. Collection method: clinical testing. Allele origin: germline. Not counted in ClinVar's aggregate classification.

PreventionGenetics, part of Exact Sciences
Classification: Likely benign for DNAI2-related condition. Last evaluated: 2019-09-12. Review status: no assertion criteria provided. Collection method: clinical testing. Allele origin: germline. Not counted in ClinVar's aggregate classification.
Comment: This variant is classified as likely benign based on ACMG/AMP sequence variant interpretation guidelines (Richards et al. 2015 PMID: 25741868, with internal and published modifications).

NM_023036.6(DNAI2):c.1251C>T (p.Pro417=)

Gene: DNAI2 (dynein axonemal intermediate chain 2; plus strand). Cytogenetic location: 17q25.1.
Variant type: single nucleotide variant.
Coding change: c.1251C>T on transcript NM_023036.6 (MANE Select); coding-DNA position 1251, C replaced by T.
Protein change: p.Pro417=; no amino-acid change (proline 417 retained).
Molecular consequence: synonymous variant. On other transcripts: non-coding transcript variant (1).
Genome position (GRCh38, 1-based): chr17:74,309,292, C>T. VCF-style: chr17-74309292-C-T. GRCh37 (hg19) VCF-style: chr17-72305431-C-T.
Other names: c.1251C>T, p.Pro417= (NM_001172810.3, NM_001353167.2).
Identifiers: ClinVar variation 695768 (VCV000695768.17), dbSNP rs139319121, ClinGen allele CA8745674.